The following is an entry in ClinVar:

ClinVar aggregate classification (germline): Uncertain significance. Review status: criteria provided, multiple submitters, no conflicts (2 of 4 stars). 3 submissions from 3 submitters: Uncertain significance (3). Last evaluated 2025-10-14.

Conditions:
Inborn genetic diseases. Identifiers: MedGen C0950123, MeSH D030342.

Allele frequency attached by ClinVar (database versions not stated): gnomAD 0.00001.

Submissions (3):

GeneDx
Classification: Uncertain significance. Last evaluated: 2025-10-14. Review status: criteria provided, single submitter. Criteria: GeneDx Variant Classification Process June 2021. Collection method: clinical testing. Allele origin: germline.
Comment: Reported in a patient and mother with benign familial infantile seizures in published literature (PMID: 23077026); Published functional studies are inconclusive as to whether the variant alters protein function and structure (PMID: 31124310, 30980674); In silico analysis supports that this missense variant has a deleterious effect on protein structure/function; Not observed at significant frequency in large population cohorts (gnomAD); This variant is associated with the following publications: (PMID: 30980674, 31124310, 31193310, 25502464, 34478843, 23077026, 38910474)

Ambry Genetics
Classification: Uncertain significance for Inborn genetic diseases. Last evaluated: 2019-07-23. Review status: criteria provided, single submitter. Criteria: Ambry Variant Classification Scheme 2023. Collection method: clinical testing. Allele origin: germline.
Comment: The p.A306T variant (also known as c.916G>A), located in coding exon 2 of the PRRT2 gene, results from a G to A substitution at nucleotide position 916. The alanine at codon 306 is replaced by threonine, an amino acid with similar properties. In addition, this variant was detected in a compound heterozygous proband who had epilepsy with status epilepticus, paroxysmal dyskinesia and episodic ataxia, and also had a PRRT2 c.649dupC mutation; the p.A306T variant was detected in his father, who had history of aphasia and episodes of confusion (El Achkar CM et al. Epilepsy Behav Case Rep, 2019 Feb;11:125-128). This amino acid position is highly conserved in available vertebrate species. In addition, this alteration is predicted to be deleterious by in silico analysis. Since supporting evidence is limited at this time, the clinical significance of this alteration remains unclear.

Eurofins Ntd Llc (ga)
Classification: Uncertain significance. Last evaluated: 2013-12-10. Review status: criteria provided, single submitter. Criteria: EGL Classification Definitions 2015. Collection method: clinical testing. Allele origin: germline. Observed: 2 variant alleles, 2 heterozygotes.

Literature cited by the submitters: PubMed 23077026 (cited by Ambry Genetics); PubMed 31193310 (cited by Ambry Genetics).

NM_145239.3(PRRT2):c.916G>A (p.Ala306Thr)

Genes: MVP-DT (MVP divergent transcript; minus strand), PRRT2 (proline rich transmembrane protein 2; plus strand). Cytogenetic location: 16p11.2.
Variant type: single nucleotide variant.
Coding change: c.916G>A on transcript NM_145239.3 (MANE Select); coding-DNA position 916, G replaced by A.
Protein change: p.Ala306Thr; replaces alanine 306 with threonine.
Molecular consequence: missense variant. On other transcripts: 3 prime UTR variant (1).
Genome position (GRCh38, 1-based): chr16:29,814,369, G>A. VCF-style: chr16-29814369-G-A. GRCh37 (hg19) VCF-style: chr16-29825690-G-A.
Other names: c.916G>A, p.Ala306Thr (NM_001256442.2); c.*415G>A (NM_001256443.2); short protein forms A306T.
Identifiers: ClinVar variation 167547 (VCV000167547.9), dbSNP rs727504111, ClinGen allele CA234737.